The following is an entry in ClinVar:

ClinVar aggregate classification (germline): Likely benign (0 of 4 stars; one submission).

Conditions:
DHODH-related disorder. Also called: DHODH-related condition.

gnomAD v4.1: 8 of 1,551,928 alleles (0.00052%); highest among the groups gnomAD compares: South Asian, 0.0024%; no homozygotes.

Submission:

PreventionGenetics, part of Exact Sciences
Classification: Likely benign for DHODH-related condition. Last evaluated: 2019-11-27. Review status: no assertion criteria provided. Collection method: clinical testing. Allele origin: germline.
Comment: This variant is classified as likely benign based on ACMG/AMP sequence variant interpretation guidelines (Richards et al. 2015 PMID: 25741868, with internal and published modifications).

NM_001361.5(DHODH):c.15C>T (p.His5=)

Gene: DHODH (dihydroorotate dehydrogenase (quinone); plus strand). Cytogenetic location: 16q22.2.
Variant type: single nucleotide variant.
Coding change: c.15C>T on transcript NM_001361.5 (MANE Select); coding-DNA position 15, C replaced by T.
Protein change: p.His5=; no amino-acid change (histidine 5 retained).
Molecular consequence: synonymous variant.
Genome position (GRCh38, 1-based): chr16:72,008,779, C>T. VCF-style: chr16-72008779-C-T. GRCh37 (hg19) VCF-style: chr16-72042678-C-T.
Identifiers: ClinVar variation 3353992 (VCV003353992.1).